The following is an entry in ClinVar:

NM_001083961.2(WDR62):c.2334-29C>T

Gene: WDR62 (WD repeat domain 62; plus strand). Cytogenetic location: 19q13.12.
Variant type: single nucleotide variant.
Coding change: c.2334-29C>T on transcript NM_001083961.2 (MANE Select); 29 bases into the intron before coding-DNA position 2334, C replaced by T.
Molecular consequence: intron variant.
Genome position (GRCh38, 1-based): chr19:36,094,002, C>T. VCF-style: chr19-36094002-C-T. GRCh37 (hg19) VCF-style: chr19-36584904-C-T.
Other names: c.2334-29C>T (NM_173636.5).
Identifiers: ClinVar variation 160265 (VCV000160265.9), dbSNP rs2301737, ClinGen allele CA173915.

ClinVar aggregate classification (germline): Benign. Review status: criteria provided, multiple submitters, no conflicts (2 of 4 stars). 5 submissions from 5 submitters: Benign (4). 1 of the submissions does not count toward it. Last evaluated 2021-12-05.

Conditions:
Microcephaly 2, primary, autosomal recessive, with or without cortical malformations. Also called: MICROCEPHALY 2, PRIMARY, AUTOSOMAL RECESSIVE, WITH CORTICAL MALFORMATIONS; WDR62 Primary Microcephaly. Identifiers: Orphanet 2512, MedGen C1858535, MONDO:0011435, OMIM 604317.

Allele frequency attached by ClinVar (database versions not stated): 1000 Genomes Project 30x 0.12430; 1000 Genomes Project 0.12500; TOPMed 0.14581; ESP Exome Variant Server 0.15439; ExAC 0.17886.
gnomAD v4.1: 307,255 of 1,612,212 alleles (19%); highest among the groups gnomAD compares: Middle Eastern, 22%; 30,717 homozygotes.

Submissions (5):

Genome-Nilou Lab
Classification: Benign for Microcephaly 2, primary, autosomal recessive, with or without cortical malformations. Last evaluated: 2021-12-05. Review status: criteria provided, single submitter. Criteria: ACMG Guidelines, 2015. Collection method: clinical testing. Allele origin: germline. Affected: no.

GeneDx
Classification: Benign. Last evaluated: 2018-06-14. Review status: criteria provided, single submitter. Criteria: GeneDx Variant Classification (06012015). Collection method: clinical testing. Allele origin: germline. Affected: yes.
Comment: This variant is considered likely benign or benign based on one or more of the following criteria: it is a conservative change, it occurs at a poorly conserved position in the protein, it is predicted to be benign by multiple in silico algorithms, and/or has population frequency not consistent with disease.

Breakthrough Genomics
Classification: Benign. Review status: criteria provided, single submitter. Criteria: ACMG Guidelines, 2015. Collection method: not provided. Allele origin: germline. Inheritance: Autosomal recessive inheritance. Affected: yes.

PreventionGenetics, part of Exact Sciences
Classification: Benign. Review status: criteria provided, single submitter. Criteria: ACMG Guidelines, 2015. Collection method: clinical testing. Allele origin: germline.

Genetic Services Laboratory, University of Chicago
Classification: Likely benign. Review status: no assertion criteria provided. Collection method: clinical testing. Allele origin: germline. Inheritance: Autosomal recessive inheritance. Not counted in ClinVar's aggregate classification.
Comment: Likely benign based on allele frequency in 1000 Genomes Project or ESP global frequency and its presence in a patient with a rare or unrelated disease phenotype. NOT Sanger confirmed